The following is an entry in ClinVar:

ClinVar aggregate classification (germline): Pathogenic. Review status: reviewed by expert panel (3 of 4 stars). 15 submissions from 13 submitters: Pathogenic (1). 14 of the submissions do not count toward it. Last evaluated 2021-10-26.

Conditions:
Leigh syndrome due to mitochondrial complex I deficiency. Identifiers: MedGen C1838951.
Primary Mitochondrial Disorders. Identifiers: MedGen CN381104.
Mitochondrial disease. Also called: Mitochondrial disorder; Mitochondrial disorders. Identifiers: Orphanet 68380, MedGen C0751651, MeSH D028361, MONDO:0044970.
MELAS syndrome (MELAS). Also called: Juvenile myopathy, encephalopathy, lactic acidosis, stroke. Identifiers: Orphanet 550, MedGen C0162671, MONDO:0010789, OMIM 540000.
Leigh syndrome (NULS). Also called: Leigh's syndrome; Subacute necrotizing encephalopathy; Necrotizing encephalopathy infantile subacute of Leigh; Leigh's necrotizing encephalopathy; Leigh's disease; LEIGH SYNDROME, NUCLEAR. Identifiers: Orphanet 506, MedGen C2931891, MONDO:0009723, OMIM 256000.

Submissions (15):

ClinGen Mitochondrial Disease Nuclear and Mitochondrial  Variant Curation Expert Panel, ClinGen
Classification: Pathogenic for Mitochondrial disease. Last evaluated: 2021-10-26. Review status: reviewed by expert panel. Criteria: clingen mito disease acmg specifications v1-1. Collection method: curation. Allele origin: germline. Inheritance: Mitochondrial inheritance.
Comment: The m.13513G>A (p. D393N) variant in MT-ND5 was reviewed by the Mitochondrial Disease Nuclear and Mitochondrial Variant Curation Expert Panel as part of the variant pilot for mitochondrial DNA variant specifications (McCormick et al., 2020; PMID: 32906214). This variant has been reported in >16 individuals with primary mitochondrial disease with onset typically in childhood with some reports of onset in adolescence who had features variably consistent with Leigh syndrome, MELAS and MELAS-like, and/or mitochondrial encephalopathy (PS4; PMID: 25681084; PMID: 27344355; PMID: 30128709; PMID: 12624137; PMID: 14520659; PMID: 17400793; PMID: 18495510). This variant has been identified as a de novo occurrence in at least 5 probands with primary mitochondrial disease (PM6_strong; PMID: 27344355; PMID: 17400793; PMID: 18495510). This variant heteroplasmy level segregated with severity in 6 families where healthy mothers were found to have the variant at low heteroplasmy levels (PP1_moderate; PMID: 25681084; PMID: 12624137; PMID: 14520659). Another variant at this amino acid position leading to a different amino acid change is classified as pathogenic by an online resource and ClinVar – m.13514A>G (p.D393G; PM5). The computational predictor APOGEE gives a consensus rating of pathogenic with a score of 0.97 (Min=0, Max=1), which predicts a damaging effect on gene function (PP3). In summary, this variant meets criteria to be classified as pathogenic for primary mitochondrial disease inherited in a mitochondrial manner. This classification was approved by the NICHD U24 Mitochondrial Disease Variant Curation Expert Panel as of August 20, 2020. Mitochondrial DNA-specific ACMG/AMP criteria applied: PS4, PM6_strong, PM5, PP1_moderate, PP3).

Variantyx, Inc.
Classification: Pathogenic for Primary mitochondrial disorders. Last evaluated: 2025-12-14. Review status: criteria provided, single submitter. Criteria: Variantyx Assertion Criteria 2022. Collection method: clinical testing. Allele origin: germline. Not counted in ClinVar's aggregate classification.
Comment: The m.13513G>A, c.1177G>A, p.Asp393Asn change is a a nonsynonymous single nucleotide variant in the MT-ND5 gene. Pathogenic variants in this gene have been associated with primary mitochondrial disorders. It is recommended to test several tissues in the mother by NGS to fully assess for the presence and level of this mtDNA variant. This variant has been reported in many unrelated affected individuals (PMID: 25681084, 27344355, 30128709, 12624137, 14520659, 17400793, 18495510) (PS4_Very_Strong). An alternate amino acid change at this position m.13514A>G (p.D393G) has been previously reported in affected individuals (PMID:¬†21712854, 15576045, 14684687, 11198278) (PM5). Computational algorithms support a deleterious effect on the gene or gene product (Aggregate Predicted Severity Score: 0.58) (PP3). This variant is absent from control populations (PM2). Other reputable laboratories have reported this variant as pathogenic or likely pathogenic, and this classification has been validated by an expert panel in ClinVar (PP5). Based on the current evidence, this variant is classified as pathogenic for primary mitochondrial disorders.

3billion
Classification: Pathogenic for MELAS syndrome. Last evaluated: 2025-08-04. Review status: criteria provided, single submitter. Criteria: ACMG Guidelines, 2015. Collection method: clinical testing. Allele origin: germline. Affected: yes. Not counted in ClinVar's aggregate classification.
Comment: The variant is not observed in the gnomAD v4.1.0 dataset. Predicted Consequence/Location: Mitochondrial variant In silico tool predictions suggest damaging effect of the variant on gene or gene product [APOGEE2: 0.92 (>= 0.716)]. The same nucleotide change resulting in the same amino acid change has been previously reported as pathogenic/likely pathogenic with strong evidence (3billion dataset/ClinVar ID: VCV000009702). The variant has been observed in multiple (>3) similarly affected unrelated individuals (PMID: 25681084; 27344355; 30128709; 12624137; 14520659; 17400793; 18495510). Therefore, this variant is classified as Pathogenic according to the recommendation of ACMG/AMP guideline.

Laboratory of Genetics, Children's Clinical University Hospital Latvia
Classification: Pathogenic. Last evaluated: 2025-02-16. Review status: criteria provided, single submitter. Criteria: ACMG Guidelines, 2015. Collection method: clinical testing. Allele origin: germline. Affected: yes. Not counted in ClinVar's aggregate classification.

Institute for Medical Genetics and Human Genetics, Charité - Universitätsmedizin Berlin
Classification: Pathogenic for Leigh syndrome. Last evaluated: 2022-09-22. Review status: criteria provided, single submitter. Criteria: ACMG Guidelines, 2015. Collection method: clinical testing. Allele origin: germline. Inheritance: Mitochondrial inheritance. Affected: yes. Observed: 1 heterozygote. Not counted in ClinVar's aggregate classification.

MGZ Medical Genetics Center
Classification: Pathogenic for Leigh syndrome. Last evaluated: 2021-10-05. Review status: criteria provided, single submitter. Criteria: ACMG Guidelines, 2015. Collection method: clinical testing. Allele origin: germline. Affected: yes. Observed: 4 variant alleles. Not counted in ClinVar's aggregate classification.
Comment: ACMG criteria applied: PS4, PM6_STR, PM5, PP1_MOD, PM2_SUP, PP3

Institute of Human Genetics, University of Leipzig Medical Center
Classification: Pathogenic for Mitochondrial disease. Last evaluated: 2021-08-04. Review status: criteria provided, single submitter. Criteria: ACMG Guidelines, 2015. Collection method: clinical testing. Allele origin: unknown. Affected: yes. Not counted in ClinVar's aggregate classification.
Comment: This variant was identified as heteroplasmic (40%)

Institute of Medical Genetics and Applied Genomics, University Hospital Tübingen
Classification: Pathogenic. Last evaluated: 2020-10-23. Review status: criteria provided, single submitter. Criteria: ACMG Guidelines, 2015. Collection method: clinical testing. Allele origin: germline. Inheritance: Unknown mechanism. Affected: yes. Not counted in ClinVar's aggregate classification.

Wong Mito Lab, Molecular and Human Genetics, Baylor College of Medicine
Classification: Pathogenic for Leigh syndrome. Last evaluated: 2019-10-17. Review status: criteria provided, single submitter. Criteria: Modified ACMG Guidelines (Unpublished). Collection method: clinical testing. Allele origin: germline. Not counted in ClinVar's aggregate classification.
Comment: The NC_012920.1:m.13513G>A (YP_003024036.1:p.Asp393Asn) variant in MTND5 gene is interpretated to be a Pathogenic variant based on the modified ACMG guidelines (unpublished). This variant meets the following evidence codes: PS1, PS3

Center for Pediatric Genomic Medicine, Children's Mercy Hospital and Clinics
Classification: Pathogenic. Last evaluated: 2015-07-28. Review status: criteria provided, single submitter. Criteria: ACMG Guidelines, 2015. Collection method: clinical testing. Allele origin: germline. Not counted in ClinVar's aggregate classification.

Mitochondrial Research Group, Newcastle University
Classification: Pathogenic for Mitochondrial disease. Last evaluated: 2017-05-22. Review status: no assertion criteria provided. Collection method: clinical testing. Allele origin: germline. Affected: yes. Observed: 1 variant allele. Not counted in ClinVar's aggregate classification.

OMIM
Classification: Pathogenic for MELAS SYNDROME. Last evaluated: 2008-03-01. Review status: no assertion criteria provided. Collection method: literature only. Allele origin: germline. Not counted in ClinVar's aggregate classification.

OMIM
Classification: Pathogenic for LEIGH SYNDROME DUE TO MITOCHONDRIAL COMPLEX I DEFICIENCY. Last evaluated: 2008-03-01. Review status: no assertion criteria provided. Collection method: literature only. Allele origin: germline. Not counted in ClinVar's aggregate classification.

GeneReviews
No classification provided. Condition: Leigh syndrome. Review status: no classification provided. Collection method: literature only. Allele origin: germline. Not counted in ClinVar's aggregate classification.

GeneReviews
No classification provided. Condition: MELAS syndrome. Review status: no classification provided. Collection method: literature only. Allele origin: maternal. Not counted in ClinVar's aggregate classification.

Literature cited by the submitters: PubMed 25681084 (cited by 3billion); PubMed 10589546 (cited by Wong Mito Lab, Molecular and Human Genetics, Baylor College of Medicine and OMIM); PubMed 9299505 (cited by 3 submitters); PubMed 14520659 (cited by OMIM); PubMed 12624137 (cited by OMIM); PubMed 14730434 (cited by OMIM); PubMed 16306525 (cited by OMIM); PubMed 17400793 (cited by OMIM); PubMed 18332249 (cited by OMIM); NCBI Bookshelf NBK1173 (cited by GeneReviews).

NC_012920.1(MT-ND5):m.13513G>A

Gene: MT-ND5 (mitochondrially encoded NADH dehydrogenase 5; plus strand).
Variant type: single nucleotide variant.
Genome position: chrM-13513-G-A.
Other names: MTND5, 13513G-A, ASP393ASN; D393N.
Identifiers: ClinVar variation 9702 (VCV000009702.22), dbSNP rs267606897, ClinGen allele CA120632.